The following is an entry in ClinVar:

NM_000501.4(ELN):c.1591G>A (p.Ala531Thr)

Genes: ELN (elastin; plus strand), ELN-AS1 (ELN antisense RNA 1; minus strand). Cytogenetic location: 7q11.23.
Variant type: single nucleotide variant.
Coding change: c.1591G>A on transcript NM_000501.4 (MANE Select); coding-DNA position 1591, G replaced by A.
Protein change: p.Ala531Thr; replaces alanine 531 with threonine.
Molecular consequence: missense variant. On other transcripts: intron variant (1).
Genome position (GRCh38, 1-based): chr7:74,060,154, G>A. VCF-style: chr7-74060154-G-A. GRCh37 (hg19) VCF-style: chr7-73474484-G-A.
Other names: c.1504G>A, p.Ala502Thr (NM_001081752.3); c.1549G>A, p.Ala517Thr (NM_001081753.3); c.1606G>A, p.Ala536Thr (NM_001081754.3); c.1534G>A, p.Ala512Thr (NM_001081755.3); c.1591G>A, p.Ala531Thr (NM_001278912.2); c.1348G>A, p.Ala450Thr (NM_001278913.2); c.1519G>A, p.Ala507Thr (NM_001278914.2); c.1609G>A, p.Ala537Thr (NM_001278915.2); and 4 more; short protein forms A450T, A442T, A521T, A536T, A502T, A507T, A512T, A517T.
Identifiers: ClinVar variation 836659 (VCV000836659.10), dbSNP rs137987089, ClinGen allele CA4293124.
Genomic context (GRCh38, chr7:74,060,154, plus strand): 5'-TGGGCCCCGCCTCCATCTCTAATCCCCCTCTCTCTCCCTCCCTCAGCTGCAGCAAAATCC[G>A]CTGCCAAGGTGGCTGCCAAAGCCCAGCTCCGTGAGTGCCTCGCCCACCTTTCTCTCCTCT-3'
Protein context (NP_000492.2, residues 521-541): PGGVAAAAKS[Ala531Thr]AKVAAKAQLR

ClinVar aggregate classification (germline): Uncertain significance. Review status: criteria provided, multiple submitters, no conflicts (2 of 4 stars). 2 submissions from 2 submitters: Uncertain significance (2). Last evaluated 2025-12-22.

Conditions:
Supravalvar aortic stenosis (SVAS). Also called: Supravalvar aortic stenosis, Eisenberg type. Identifiers: Orphanet 3193, MedGen C0003499, MONDO:0008504, OMIM 185500, HP:0004381.

Allele frequency attached by ClinVar (database versions not stated): TOPMed 0.00007; ESP Exome Variant Server 0.00008.
gnomAD v4.1: 34 of 1,613,932 alleles (0.0021%); highest among the groups gnomAD compares: African/African-American, 0.0027%; no homozygotes.

Submissions (2):

Labcorp Genetics (formerly Invitae), Labcorp
Classification: Uncertain significance for Supravalvar aortic stenosis. Last evaluated: 2025-12-22. Review status: criteria provided, single submitter. Criteria: Invitae Variant Classification Sherloc (09022015). Collection method: clinical testing. Allele origin: germline.
Comment: This sequence change replaces alanine, which is neutral and non-polar, with threonine, which is neutral and polar, at codon 560 of the ELN protein (p.Ala560Thr). This variant is present in population databases (rs137987089, gnomAD 0.006%). This variant has not been reported in the literature in individuals affected with ELN-related conditions. ClinVar contains an entry for this variant (Variation ID: 836659). Invitae Evidence Modeling of protein sequence and biophysical properties (such as structural, functional, and spatial information, amino acid conservation, physicochemical variation, residue mobility, and thermodynamic stability) indicates that this missense variant is not expected to disrupt ELN protein function with a negative predictive value of 80%. In summary, the available evidence is currently insufficient to determine the role of this variant in disease. Therefore, it has been classified as a Variant of Uncertain Significance.

Blueprint Genetics
Classification: Uncertain significance. Last evaluated: 2024-11-01. Review status: criteria provided, single submitter. Criteria: ACMG Guidelines, 2015. Collection method: clinical testing. Allele origin: germline.